The following is an entry in ClinVar:

NM_007194.4(CHEK2):c.1095+5G>T

Gene: CHEK2 (checkpoint kinase 2; minus strand). Cytogenetic location: 22q12.1.
Variant type: single nucleotide variant.
Coding change: c.1095+5G>T on transcript NM_007194.4 (MANE Select); 5 bases into the intron after coding-DNA position 1095, G replaced by T.
Molecular consequence: intron variant.
Genome position (GRCh38, 1-based): chr22:28,696,896, C>A on the plus strand (G>T on the coding strand, the complement: CHEK2 is on the minus strand). VCF-style: chr22-28696896-C-A. GRCh37 (hg19) VCF-style: chr22-29092884-C-A.
Other names: c.432+5G>T (NM_001437942.1, NM_001257387.3); c.894+5G>T (NM_001349956.3); c.1009-1023G>T (NM_145862.3); c.1102-1023G>T (NM_001438295.1); c.1188+5G>T (NM_001438293.1); c.1138-1023G>T (NM_001438294.1); c.1224+5G>T (NM_001005735.3).
Identifiers: ClinVar variation 822153 (VCV000822153.5), dbSNP rs1601726470, ClinGen allele CA915952849.

ClinVar aggregate classification (germline): Uncertain significance (1 of 4 stars; one submission).

Conditions:
Hereditary cancer-predisposing syndrome. Also called: Tumor predisposition; Hereditary Cancer Syndrome; Neoplastic Syndromes, Hereditary; Hereditary neoplastic syndrome. Identifiers: Orphanet 140162, MedGen C0027672, MeSH D009386, MONDO:0015356.

Submission:

Ambry Genetics
Classification: Uncertain significance for Hereditary cancer-predisposing syndrome. Last evaluated: 2024-11-25. Review status: criteria provided, single submitter. Criteria: Ambry Variant Classification Scheme 2023. Collection method: clinical testing. Allele origin: germline.
Comment: The c.1095+5G>T intronic variant results from a G to T substitution 5 nucleotides after coding exon 9 in the CHEK2 gene. This nucleotide position is well conserved in available vertebrate species. In silico splice site analysis predicts that this alteration will not have any significant effect on splicing. Based on the available evidence, the clinical significance of this variant remains unclear.